The following is an entry in ClinVar:

NM_001457.4(FLNB):c.3034G>A (p.Gly1012Arg)

Gene: FLNB (filamin B; plus strand). Cytogenetic location: 3p14.3.
Variant type: single nucleotide variant.
Coding change: c.3034G>A on transcript NM_001457.4 (MANE Select); coding-DNA position 3034, G replaced by A.
Protein change: p.Gly1012Arg; replaces glycine 1012 with arginine.
Molecular consequence: missense variant.
Genome position (GRCh38, 1-based): chr3:58,121,411, G>A. VCF-style: chr3-58121411-G-A. GRCh37 (hg19) VCF-style: chr3-58107138-G-A.
Other names: c.3034G>A, p.Gly1012Arg (NM_001164317.2, NM_001164318.2, NM_001164319.2); short protein forms G1012R.
Identifiers: ClinVar variation 2710441 (VCV002710441.3), dbSNP rs2471117242, ClinGen allele CA353347783.

ClinVar aggregate classification (germline): Uncertain significance (1 of 4 stars; one submission).

Allele frequency attached by ClinVar (database versions not stated): gnomAD exomes below 0.00001.
gnomAD v4.1: 1 of 1,614,152 alleles (0.000062%); highest among the groups gnomAD compares: South Asian, 0.0011%; no homozygotes.

Submission:

Labcorp Genetics (formerly Invitae), Labcorp
Classification: Uncertain significance. Last evaluated: 2023-10-05. Review status: criteria provided, single submitter. Criteria: Invitae Variant Classification Sherloc (09022015). Collection method: clinical testing. Allele origin: germline.
Comment: This sequence change replaces glycine, which is neutral and non-polar, with arginine, which is basic and polar, at codon 1012 of the FLNB protein (p.Gly1012Arg). This variant is not present in population databases (gnomAD no frequency). This variant has not been reported in the literature in individuals affected with FLNB-related conditions. Advanced modeling of protein sequence and biophysical properties (such as structural, functional, and spatial information, amino acid conservation, physicochemical variation, residue mobility, and thermodynamic stability) performed at Invitae indicates that this missense variant is not expected to disrupt FLNB protein function. In summary, the available evidence is currently insufficient to determine the role of this variant in disease. Therefore, it has been classified as a Variant of Uncertain Significance.